The following is an entry in ClinVar:

NM_004329.3(BMPR1A):c.989C>T (p.Ala330Val)

Gene: BMPR1A (bone morphogenetic protein receptor type 1A; plus strand). Cytogenetic location: 10q23.2.
Variant type: single nucleotide variant.
Coding change: c.989C>T on transcript NM_004329.3 (MANE Select); coding-DNA position 989, C replaced by T.
Protein change: p.Ala330Val; replaces alanine 330 with valine.
Molecular consequence: missense variant.
Genome position (GRCh38, 1-based): chr10:86,919,292, C>T. VCF-style: chr10-86919292-C-T. GRCh37 (hg19) VCF-style: chr10-88679049-C-T.
Other names: short protein forms A330V.
Identifiers: ClinVar variation 141898 (VCV000141898.20), dbSNP rs587782092, ClinGen allele CA166737.

ClinVar aggregate classification (germline): Conflicting classifications of pathogenicity. Review status: criteria provided, conflicting classifications (1 of 4 stars). 5 submissions from 5 submitters: Uncertain significance (4); Likely benign (1). Last evaluated 2026-01-19.

Conditions:
Juvenile polyposis syndrome (JPS). Identifiers: Orphanet 2929, MedGen C0345893, MONDO:0017380, OMIM 174900.
Hereditary cancer-predisposing syndrome. Also called: Neoplastic Syndromes, Hereditary; Hereditary Cancer Syndrome; Hereditary neoplastic syndrome; Tumor predisposition. Identifiers: Orphanet 140162, MedGen C0027672, MeSH D009386, MONDO:0015356.
Polyposis syndrome, hereditary mixed, 2. Identifiers: Orphanet 157794, MedGen C1864730, MONDO:0012405, OMIM 610069.

Allele frequency attached by ClinVar (database versions not stated): gnomAD exomes below 0.00001; TOPMed below 0.00001.
gnomAD v4.1: 6 of 1,613,944 alleles (0.00037%); highest among the groups gnomAD compares: Non-Finnish European, 0.00042%; no homozygotes.

Submissions (5):

Labcorp Genetics (formerly Invitae), Labcorp
Classification: Uncertain significance for Juvenile polyposis syndrome. Last evaluated: 2026-01-19. Review status: criteria provided, single submitter. Criteria: Invitae Variant Classification Sherloc (09022015). Collection method: clinical testing. Allele origin: germline.
Comment: This sequence change replaces alanine, which is neutral and non-polar, with valine, which is neutral and non-polar, at codon 330 of the BMPR1A protein (p.Ala330Val). This variant is present in population databases (rs587782092, gnomAD 0.01%). This variant has not been reported in the literature in individuals affected with BMPR1A-related conditions. ClinVar contains an entry for this variant (Variation ID: 141898). Invitae Evidence Modeling of protein sequence and biophysical properties (such as structural, functional, and spatial information, amino acid conservation, physicochemical variation, residue mobility, and thermodynamic stability) indicates that this missense variant is not expected to disrupt BMPR1A protein function with a negative predictive value of 80%. In summary, the available evidence is currently insufficient to determine the role of this variant in disease. Therefore, it has been classified as a Variant of Uncertain Significance.

Color Diagnostics, LLC DBA Color Health
Classification: Uncertain significance for Hereditary cancer-predisposing syndrome. Last evaluated: 2025-07-14. Review status: criteria provided, single submitter. Criteria: ACMG Guidelines, 2015. Collection method: clinical testing. Allele origin: germline.
Comment: This missense variant replaces alanine with valine at codon 330 of the BMPR1A protein. Computational prediction suggests that this variant may not impact protein structure and function. To our knowledge, functional studies have not been reported for this variant. This variant has not been reported in individuals affected with BMPR1A-related disorders in the literature. This variant has been identified in 1/251178 chromosomes in the general population by the Genome Aggregation Database (gnomAD). The available evidence is insufficient to determine the role of this variant in disease conclusively. Therefore, this variant is classified as a Variant of Uncertain Significance.

Ambry Genetics
Classification: Likely benign for Hereditary cancer-predisposing syndrome. Last evaluated: 2023-11-21. Review status: criteria provided, single submitter. Criteria: Ambry Variant Classification Scheme 2023. Collection method: clinical testing. Allele origin: germline.

Baylor Genetics
Classification: Uncertain significance for Polyposis syndrome, hereditary mixed, 2. Last evaluated: 2023-10-25. Review status: criteria provided, single submitter. Criteria: ACMG Guidelines, 2015. Collection method: clinical testing. Allele origin: unknown.

All of Us Research Program, National Institutes of Health
Classification: Uncertain significance for Juvenile polyposis syndrome. Last evaluated: 2023-04-03. Review status: criteria provided, single submitter. Criteria: ACMG Guidelines, 2015. Collection method: clinical testing. Allele origin: germline. Inheritance: Autosomal dominant inheritance. Observed: 1 variant allele, 1 heterozygote.
Comment: This missense variant replaces alanine with valine at codon 330 of the BMPR1A protein. Computational prediction suggests that this variant may not impact protein structure and function (internally defined REVEL score threshold <= 0.5, PMID: 27666373). Splice site prediction tools suggest that this variant may not impact RNA splicing. To our knowledge, functional studies have not been performed for this variant. This variant has not been reported in individuals affected with hereditary cancer in the literature. This variant has been identified in 1/251178 chromosomes in the general population by the Genome Aggregation Database (gnomAD). The available evidence is insufficient to determine the role of this variant in disease conclusively. Therefore, this variant is classified as a Variant of Uncertain Significance.

This study involves interpretation of variants in research participants for the purpose of population health screening. Participant phenotype was not available at the time of variant classification. Additional details can be found in publication PMID: 35346344, PMCID: PMC8962531